The following is an entry in ClinVar:

NM_000540.3(RYR1):c.951C>T (p.Ile317=)

Gene: RYR1 (ryanodine receptor 1; plus strand). Cytogenetic location: 19q13.2.
Variant type: single nucleotide variant.
Coding change: c.951C>T on transcript NM_000540.3 (MANE Select); coding-DNA position 951, C replaced by T.
Protein change: p.Ile317=; no amino-acid change (isoleucine 317 retained).
Molecular consequence: synonymous variant.
Genome position (GRCh38, 1-based): chr19:38,448,505, C>T. VCF-style: chr19-38448505-C-T. GRCh37 (hg19) VCF-style: chr19-38939145-C-T.
Other names: c.951C>T, p.Ile317= (NM_001042723.2).
Identifiers: ClinVar variation 1103686 (VCV001103686.10), dbSNP rs138968996, ClinGen allele CA073754.

ClinVar aggregate classification (germline): Likely benign. Review status: criteria provided, multiple submitters, no conflicts (2 of 4 stars). 3 submissions from 3 submitters: Likely benign (3). Last evaluated 2024-09-03.

Conditions:
RYR1-related disorder. Also called: RYR1-related disorders; RYR1-related condition. Identifiers: MedGen CN239331.
Malignant hyperthermia, susceptibility to, 1 (MHS1). Also called: RYR1-Related Malignant Hyperthermia Susceptibility; Malignant hyperthermia suceptibility 1; Anesthesia related hyperthermia; Malignant hyperpyrexia; Fulminating hyperpyrexia; Pharmacogenic myopathy. Identifiers: Orphanet 423, MedGen C2930980, MONDO:0007783, OMIM 145600.

Allele frequency attached by ClinVar (database versions not stated): gnomAD 0.00001 and 0.00002; gnomAD exomes 0.00001 and 0.00002; ExAC 0.00002; TOPMed 0.00004; 1000 Genomes Project 30x 0.00016; 1000 Genomes Project 0.00020.
gnomAD v4.1: 12 of 1,614,156 alleles (0.00074%); highest among the groups gnomAD compares: East Asian, 0.022%; no homozygotes.

Submissions (3):

Labcorp Genetics (formerly Invitae), Labcorp
Classification: Likely benign for RYR1-related disorder. Last evaluated: 2024-09-03. Review status: criteria provided, single submitter. Criteria: Invitae Variant Classification Sherloc (09022015). Collection method: clinical testing. Allele origin: germline.

All of Us Research Program, National Institutes of Health
Classification: Likely benign for Malignant hyperthermia, susceptibility to, 1. Last evaluated: 2024-03-24. Review status: criteria provided, single submitter. Criteria: ACMG Guidelines, 2015. Collection method: clinical testing. Allele origin: germline. Inheritance: Autosomal dominant inheritance. Observed: 1 variant allele, 1 heterozygote.
Comment: This study involves interpretation of variants in research participants for the purpose of population health screening. Participant phenotype was not available at the time of variant classification. Additional details can be found in publication PMID: 35346344, PMCID: PMC8962531

Color Diagnostics, LLC DBA Color Health
Classification: Likely benign for Malignant hyperthermia, susceptibility to, 1. Last evaluated: 2024-03-13. Review status: criteria provided, single submitter. Criteria: ACMG Guidelines, 2015. Collection method: clinical testing. Allele origin: germline.